The following is an entry in ClinVar:

NM_000116.5(TAFAZZIN):c.489dup (p.Phe164fs)

Gene: TAFAZZIN (tafazzin, phospholipid-lysophospholipid transacylase; plus strand). Cytogenetic location: Xq28.
Variant type: Duplication.
Coding change: c.489dup on transcript NM_000116.5 (MANE Select); coding-DNA position 489, one base duplicated (C; older notation c.489dupC).
Protein change: p.Phe164fs; shifts the reading frame from phenylalanine 164.
Molecular consequence: frameshift variant. On other transcripts: non-coding transcript variant (1).
Genome position (GRCh38, 1-based): chrX:154,419,571, C duplicated. VCF-style (leftmost placement, unchanged base first): chrX-154419570-A-AC. GRCh37 (hg19) VCF-style: chrX-153647909-A-AC.
Other names: c.543dup, p.Phe182fs (NM_001303465.2); c.453dup, p.Phe152Leufs (NM_001410698.1); c.399dup, p.Phe134fs (NM_181311.4, NM_181313.4); c.489dup, p.Phe164fs (NM_181312.4); short protein forms F134fs, F164fs, F182fs.
Identifiers: ClinVar variation 1800451 (VCV001800451.2), dbSNP rs2522984951, ClinGen allele CA2580101816.

ClinVar aggregate classification (germline): Pathogenic (1 of 4 stars; one submission).

Conditions:
Cardiovascular phenotype. Identifiers: MedGen CN230736.

Submission:

Ambry Genetics
Classification: Pathogenic for Cardiovascular phenotype. Last evaluated: 2019-11-26. Review status: criteria provided, single submitter. Criteria: Ambry Variant Classification Scheme 2023. Collection method: clinical testing. Allele origin: germline.
Comment: The c.489dupC pathogenic mutation, located in coding exon 6 of the TAZ gene, results from a duplication of C at nucleotide position 489, causing a translational frameshift with a predicted alternate stop codon (p.F164Lfs*39). This alteration is expected to result in loss of function by premature protein truncation or nonsense-mediated mRNA decay. As such, this alteration is interpreted as a disease-causing mutation.